The following is an entry in ClinVar:

ClinVar aggregate classification (germline): Uncertain significance. Review status: criteria provided, multiple submitters, no conflicts (2 of 4 stars). 3 submissions from 3 submitters: Uncertain significance (3). Last evaluated 2025-11-20.

Conditions:
Hereditary cancer-predisposing syndrome. Also called: Hereditary neoplastic syndrome; Neoplastic Syndromes, Hereditary; Tumor predisposition; Hereditary Cancer Syndrome. Identifiers: Orphanet 140162, MedGen C0027672, MeSH D009386, MONDO:0015356.

Allele frequency attached by ClinVar (database versions not stated): gnomAD exomes below 0.00001.

Submissions (3):

Ambry Genetics
Classification: Uncertain significance for Hereditary cancer-predisposing syndrome. Last evaluated: 2025-11-20. Review status: criteria provided, single submitter. Criteria: Ambry Variant Classification Scheme 2023. Collection method: clinical testing. Allele origin: germline.
Comment: The p.A220G variant (also known as c.659C>G), located in coding exon 5 of the FH gene, results from a C to G substitution at nucleotide position 659. The alanine at codon 220 is replaced by glycine, an amino acid with similar properties. This amino acid position is well conserved in available vertebrate species. In addition, the in silico prediction for this alteration is inconclusive. Based on the available evidence, the clinical significance of this variant remains unclear.

Labcorp Genetics (formerly Invitae), Labcorp
Classification: Uncertain significance. Last evaluated: 2025-05-01. Review status: criteria provided, single submitter. Criteria: Invitae Variant Classification Sherloc (09022015). Collection method: clinical testing. Allele origin: germline.
Comment: This sequence change replaces alanine, which is neutral and non-polar, with glycine, which is neutral and non-polar, at codon 220 of the FH protein (p.Ala220Gly). This variant is present in population databases (rs758678272, gnomAD 0.003%). This variant has not been reported in the literature in individuals affected with FH-related conditions. ClinVar contains an entry for this variant (Variation ID: 1313429). Invitae Evidence Modeling of protein sequence and biophysical properties (such as structural, functional, and spatial information, amino acid conservation, physicochemical variation, residue mobility, and thermodynamic stability) has been performed for this missense variant. However, the output from this modeling did not meet the statistical confidence thresholds required to predict the impact of this variant on FH protein function. In summary, the available evidence is currently insufficient to determine the role of this variant in disease. Therefore, it has been classified as a Variant of Uncertain Significance.

GeneDx
Classification: Uncertain significance. Last evaluated: 2020-10-14. Review status: criteria provided, single submitter. Criteria: GeneDx Variant Classification Process June 2021. Collection method: clinical testing. Allele origin: germline. Affected: yes.
Comment: Not observed at a significant frequency in large population cohorts (Lek et al., 2016); In silico analysis supports that this missense variant does not alter protein structure/function; Has not been previously published as pathogenic or benign to our knowledge

NM_000143.4(FH):c.659C>G (p.Ala220Gly)

Gene: FH (fumarate hydratase; minus strand). Cytogenetic location: 1q43.
Variant type: single nucleotide variant.
Coding change: c.659C>G on transcript NM_000143.4 (MANE Select); coding-DNA position 659, C replaced by G.
Protein change: p.Ala220Gly; replaces alanine 220 with glycine.
Molecular consequence: missense variant.
Genome position (GRCh38, 1-based): chr1:241,508,682, G>C on the plus strand (C>G on the coding strand, the complement: FH is on the minus strand). VCF-style: chr1-241508682-G-C. GRCh37 (hg19) VCF-style: chr1-241671982-G-C.
Other names: short protein forms A220G.
Identifiers: ClinVar variation 1313429 (VCV001313429.8), dbSNP rs758678272, ClinGen allele CA1478638.